The following is an entry in ClinVar:

NM_001130009.3(GEN1):c.1652T>C (p.Leu551Ser)

Gene: GEN1 (GEN1 structure-specific endonuclease; plus strand). Cytogenetic location: 2p24.2.
Variant type: single nucleotide variant.
Coding change: c.1652T>C on transcript NM_001130009.3 (MANE Select); coding-DNA position 1652, T replaced by C.
Protein change: p.Leu551Ser; replaces leucine 551 with serine.
Molecular consequence: missense variant.
Genome position (GRCh38, 1-based): chr2:17,780,864, T>C. VCF-style: chr2-17780864-T-C. GRCh37 (hg19) VCF-style: chr2-17962131-T-C.
Other names: c.1652T>C, p.Leu551Ser (NM_182625.5); short protein forms L551S.
Identifiers: ClinVar variation 2614924 (VCV002614924.3), dbSNP rs2545627327, ClinGen allele CA345926330.
Genomic context (GRCh38, chr2:17,780,864, plus strand): 5'-TACCTAAAAATACTCCATGTTTGAATGCACAAGAACAGTTCATGTCTTCTCTAAGACCTT[T>C]GGCTATACAGCAAATTAAAGCTGTCAGTAAGTCTCTAATTTCAGAATCTAGTCAACCCAA-3'
Protein context (NP_001123481.3, residues 541-561): QEQFMSSLRP[Leu551Ser]AIQQIKAVSK

ClinVar aggregate classification (germline): Uncertain significance (1 of 4 stars; one submission).

Submission:

Ambry Genetics
Classification: Uncertain significance. Last evaluated: 2025-10-21. Review status: criteria provided, single submitter. Criteria: Ambry Variant Classification Scheme 2023. Collection method: clinical testing. Allele origin: germline.
Comment: The p.L551S variant (also known as c.1652T>C), located in coding exon 13 of the GEN1 gene, results from a T to C substitution at nucleotide position 1652. The leucine at codon 551 is replaced by serine, an amino acid with dissimilar properties. This amino acid position is conserved. In addition, this alteration is predicted to be tolerated by in silico analysis. Based on the available evidence, the clinical significance of this variant remains unclear.